The following is an entry in ClinVar:

ClinVar aggregate classification (germline): Uncertain significance (1 of 4 stars; one submission).

Conditions:
CPS1-related disorder. Also called: CPS1-related condition.

gnomAD v4.1: 1 of 1,612,904 alleles (0.000062%); highest among the groups gnomAD compares: Non-Finnish European, 0.000085%; no homozygotes.

Submission:

PreventionGenetics, part of Exact Sciences
Classification: Uncertain significance for CPS1-related condition. Last evaluated: 2026-01-12. Review status: criteria provided, single submitter. Criteria: ACMG Guidelines, 2015. Collection method: clinical testing. Allele origin: germline.
Comment: The CPS1 c.625G>A variant is predicted to result in the amino acid substitution p.Val209Ile. To our knowledge, this variant has not been reported in the literature or in a large population database (gnomAD), indicating this variant is rare. At this time, the clinical significance of this variant is uncertain due to the absence of conclusive functional and genetic evidence.

NM_001875.5(CPS1):c.625G>A (p.Val209Ile)

Gene: CPS1 (carbamoyl-phosphate synthase 1; plus strand). Cytogenetic location: 2q34.
Variant type: single nucleotide variant.
Coding change: c.625G>A on transcript NM_001875.5 (MANE Select); coding-DNA position 625, G replaced by A.
Protein change: p.Val209Ile; replaces valine 209 with isoleucine.
Molecular consequence: missense variant. On other transcripts: non-coding transcript variant (1).
Genome position (GRCh38, 1-based): chr2:210,588,061, G>A. VCF-style: chr2-210588061-G-A. GRCh37 (hg19) VCF-style: chr2-211452785-G-A.
Other names: c.625G>A, p.Val209Ile (NM_001122633.3, NM_001369257.1); c.658G>A, p.Val220Ile (NM_001369256.1); short protein forms V209I, V220I.
Identifiers: ClinVar variation 4985157 (VCV004985157.1).